The following is an entry in ClinVar:

NM_001943.5(DSG2):c.916T>C (p.Trp306Arg)

Gene: DSG2 (desmoglein 2; plus strand). Cytogenetic location: 18q12.1.
Variant type: single nucleotide variant.
Coding change: c.916T>C on transcript NM_001943.5 (MANE Select); coding-DNA position 916, T replaced by C.
Protein change: p.Trp306Arg; replaces tryptophan 306 with arginine.
Molecular consequence: missense variant.
Genome position (GRCh38, 1-based): chr18:31,524,790, T>C. VCF-style: chr18-31524790-T-C. GRCh37 (hg19) VCF-style: chr18-29104753-T-C.
Other names: short protein forms W306R.
Identifiers: ClinVar variation 1980820 (VCV001980820.4), dbSNP rs2510912914, ClinGen allele CA402135658.

ClinVar aggregate classification (germline): Uncertain significance (1 of 4 stars; one submission).

Conditions:
Arrhythmogenic right ventricular dysplasia 10. Also called: Arrhythmogenic Right Ventricular Dysplasia/Cardiomyopathy10; ARRHYTHMOGENIC RIGHT VENTRICULAR DYSPLASIA, FAMILIAL, 10; Arrhythmogenic right ventricular dysplasia/cardiomyopathy, type 10. Identifiers: MedGen C1857777, MONDO:0012434, OMIM 610193.

Submission:

Labcorp Genetics (formerly Invitae), Labcorp
Classification: Uncertain significance for Arrhythmogenic right ventricular dysplasia 10. Last evaluated: 2022-06-09. Review status: criteria provided, single submitter. Criteria: Invitae Variant Classification Sherloc (09022015). Collection method: clinical testing. Allele origin: germline.
Comment: In summary, the available evidence is currently insufficient to determine the role of this variant in disease. Therefore, it has been classified as a Variant of Uncertain Significance. Algorithms developed to predict the effect of missense changes on protein structure and function (SIFT, PolyPhen-2, Align-GVGD) all suggest that this variant is likely to be disruptive. This variant has not been reported in the literature in individuals affected with DSG2-related conditions. This variant is not present in population databases (gnomAD no frequency). This sequence change replaces tryptophan, which is neutral and slightly polar, with arginine, which is basic and polar, at codon 306 of the DSG2 protein (p.Trp306Arg).